The following is an entry in ClinVar:

NM_000051.4(ATM):c.5098C>T (p.Leu1700Phe)

Gene: ATM (ATM serine/threonine kinase; plus strand). Cytogenetic location: 11q22.3.
Variant type: single nucleotide variant.
Coding change: c.5098C>T on transcript NM_000051.4 (MANE Select); coding-DNA position 5098, C replaced by T.
Protein change: p.Leu1700Phe; replaces leucine 1700 with phenylalanine.
Molecular consequence: missense variant.
Genome position (GRCh38, 1-based): chr11:108,299,806, C>T. VCF-style: chr11-108299806-C-T. GRCh37 (hg19) VCF-style: chr11-108170533-C-T.
Other names: c.5098C>T, p.Leu1700Phe (NM_001351834.2); short protein forms L1700F.
Identifiers: ClinVar variation 1473120 (VCV001473120.10), dbSNP rs2135890776, ClinGen allele CA382540717.
Genomic context (GRCh38, chr11:108,299,806, plus strand): 5'-CCTATAGATTTCTCTACCATAGCTATACAACATAGTAAAGATGCATCTTATACCAAGGCC[C>T]TTAAGTTATTTGAAGATAAAGAACTTCAGTGGACCTTCATAATGCTGACCTACCTGAATA-3'
Protein context (NP_000042.3, residues 1690-1710): HSKDASYTKA[Leu1700Phe]KLFEDKELQW

ClinVar aggregate classification (germline): Uncertain significance. Review status: criteria provided, multiple submitters, no conflicts (2 of 4 stars). 2 submissions from 2 submitters: Uncertain significance (2). Last evaluated 2022-02-18.

Conditions:
Ataxia-telangiectasia syndrome (AT). Also called: ATAXIA-TELANGIECTASIA, COMPLEMENTATION GROUP A; ATAXIA-TELANGIECTASIA, FRESNO VARIANT; LOUIS-BAR SYNDROME; Ataxia-telangiectasia; Cerebello-oculocutaneous telangiectasia; Immunodeficiency with ataxia telangiectasia. Identifiers: Orphanet 100, MedGen C0004135, MONDO:0008840, OMIM 208900.
Hereditary cancer-predisposing syndrome. Also called: Hereditary neoplastic syndrome; Tumor predisposition; Neoplastic Syndromes, Hereditary; Hereditary Cancer Syndrome. Identifiers: Orphanet 140162, MedGen C0027672, MeSH D009386, MONDO:0015356.

Submissions (2):

Labcorp Genetics (formerly Invitae), Labcorp
Classification: Uncertain significance for Ataxia-telangiectasia syndrome. Last evaluated: 2022-02-18. Review status: criteria provided, single submitter. Criteria: Invitae Variant Classification Sherloc (09022015). Collection method: clinical testing. Allele origin: germline.
Comment: Advanced modeling of protein sequence and biophysical properties (such as structural, functional, and spatial information, amino acid conservation, physicochemical variation, residue mobility, and thermodynamic stability) performed at Invitae indicates that this missense variant is not expected to disrupt ATM protein function. In summary, the available evidence is currently insufficient to determine the role of this variant in disease. Therefore, it has been classified as a Variant of Uncertain Significance. This variant has not been reported in the literature in individuals affected with ATM-related conditions. This variant is not present in population databases (gnomAD no frequency). This sequence change replaces leucine, which is neutral and non-polar, with phenylalanine, which is neutral and non-polar, at codon 1700 of the ATM protein (p.Leu1700Phe).

Ambry Genetics
Classification: Uncertain significance for Hereditary cancer-predisposing syndrome. Last evaluated: 2022-01-29. Review status: criteria provided, single submitter. Criteria: Ambry Variant Classification Scheme 2023. Collection method: clinical testing. Allele origin: germline.
Comment: The p.L1700F variant (also known as c.5098C>T), located in coding exon 33 of the ATM gene, results from a C to T substitution at nucleotide position 5098. The leucine at codon 1700 is replaced by phenylalanine, an amino acid with highly similar properties. This amino acid position is conserved. In addition, this alteration is predicted to be tolerated by in silico analysis. Since supporting evidence is limited at this time, the clinical significance of this alteration remains unclear.